The following is an entry in ClinVar:

ClinVar aggregate classification (germline): Pathogenic. Review status: criteria provided, multiple submitters, no conflicts (2 of 4 stars). 2 submissions from 2 submitters: Pathogenic (2). Last evaluated 2025-03-23.

Conditions:
Familial adenomatous polyposis 1 (FAP1). Also called: FAMILIAL ADENOMATOUS POLYPOSIS 1, ATTENUATED; POLYPOSIS, ADENOMATOUS INTESTINAL. Identifiers: MedGen C2713442, MONDO:0021056, OMIM 175100. Disease mechanism: loss of function.

Submissions (2):

Labcorp Genetics (formerly Invitae), Labcorp
Classification: Pathogenic for Familial adenomatous polyposis 1. Last evaluated: 2025-03-23. Review status: criteria provided, single submitter. Criteria: Invitae Variant Classification Sherloc (09022015). Collection method: clinical testing. Allele origin: germline.
Comment: This sequence change creates a premature translational stop signal (p.Cys525*) in the APC gene. It is expected to result in an absent or disrupted protein product. Loss-of-function variants in APC are known to be pathogenic (PMID: 17963004, 20685668). This variant is not present in population databases (gnomAD no frequency). This variant has not been reported in the literature in individuals affected with APC-related conditions. ClinVar contains an entry for this variant (Variation ID: 2583954). For these reasons, this variant has been classified as Pathogenic.

Myriad Genetics, Inc.
Classification: Pathogenic for Familial adenomatous polyposis 1. Last evaluated: 2023-05-02. Review status: criteria provided, single submitter. Criteria: Myriad Autosomal Dominant, Autosomal Recessive and X-Linked Classification Criteria (2023). Collection method: clinical testing. Allele origin: unknown.
Comment: This variant is considered pathogenic. This variant creates a termination codon and is predicted to result in premature protein truncation.

Literature cited by the submitters: PubMed 17963004 (cited by Labcorp Genetics (formerly Invitae), Labcorp); PubMed 20685668 (cited by Labcorp Genetics (formerly Invitae), Labcorp).

NM_000038.6(APC):c.1575C>A (p.Cys525Ter)

Gene: APC (APC regulator of Wnt signaling pathway; plus strand). Cytogenetic location: 5q22.2.
Variant type: single nucleotide variant.
Coding change: c.1575C>A on transcript NM_000038.6 (MANE Select); coding-DNA position 1575, C replaced by A.
Protein change: p.Cys525Ter; replaces cysteine 525 with a stop codon.
Molecular consequence: nonsense.
Genome position (GRCh38, 1-based): chr5:112,827,955, C>A. VCF-style: chr5-112827955-C-A. GRCh37 (hg19) VCF-style: chr5-112163652-C-A.
Other names: c.1575C>A, p.Cys525Ter (NM_001127510.3, NM_001354895.2, NM_001407450.1); c.1521C>A, p.Cys507Ter (NM_001127511.3); c.1629C>A, p.Cys543Ter (NM_001354896.2, NM_001407447.1, NM_001407448.1 and 1 more transcripts); c.1605C>A, p.Cys535Ter (NM_001354897.2); c.1500C>A, p.Cys500Ter (NM_001354898.2); c.1491C>A, p.Cys497Ter (NM_001354899.2); c.1452C>A, p.Cys484Ter (NM_001354900.2); c.1398C>A, p.Cys466Ter (NM_001354901.2, NM_001407453.1); and 11 more; short protein forms C141*, C242*, C365*, C396*, C399*, C424*, C434*, C442*.
Identifiers: ClinVar variation 2583954 (VCV002583954.4), dbSNP rs2149813460, ClinGen allele CA16024747.